The following is an entry in ClinVar:

ClinVar aggregate classification (germline): Pathogenic/Likely pathogenic. Review status: criteria provided, multiple submitters, no conflicts (2 of 4 stars). 3 submissions from 3 submitters: Pathogenic (1); Likely pathogenic (2). Last evaluated 2026-06-29.

Conditions:
Microcephaly-intellectual disability-sensorineural hearing loss-epilepsy-abnormal muscle tone syndrome (NEDHSB). Also called: NEURODEVELOPMENTAL DISORDER WITH HEARING LOSS, SEIZURES, AND BRAIN ABNORMALITIES. Identifiers: Orphanet 457351, MedGen C4225276, MONDO:0014698, OMIM 616577.

Allele frequency attached by ClinVar (database versions not stated): gnomAD 0.00001; gnomAD exomes 0.00001.
gnomAD v4.1: 13 of 1,613,914 alleles (0.00081%); highest among the groups gnomAD compares: Middle Eastern, 0.016%; no homozygotes.

Submissions (3):

Laboratory of Medical Genetics, University of Torino
Classification: Likely pathogenic for Microcephaly-intellectual disability-sensorineural hearing loss-epilepsy-abnormal muscle tone syndrome. Last evaluated: 2026-06-29. Review status: criteria provided, single submitter. Criteria: ACMG Guidelines, 2015. Collection method: clinical testing. Allele origin: maternal. Affected: yes.

Variantyx, Inc.
Classification: Likely pathogenic for Microcephaly-intellectual disability-sensorineural hearing loss-epilepsy-abnormal muscle tone syndrome. Last evaluated: 2025-11-14. Review status: criteria provided, single submitter. Criteria: Variantyx Assertion Criteria 2022. Collection method: clinical testing. Allele origin: germline. Inheritance: Autosomal recessive inheritance. Affected: no.
Comment: This is a nonsense variant in the AFG2A gene (OMIM: 613940). Pathogenic variants in this gene have been associated with autosomal recessive neurodevelopmental disorder with hearing loss, seizures, and brain abnormalities. This variant introduces a premature termination codon in exon 9 out of 16 and is expected to result in loss of function, which is a known disease mechanism for AFG2A in this disorder (PMID: 26299366) (PVS1). This variant has a 0.0009% maximum allele frequency in non-founder control populations (PM2). Based on the current evidence, this variant is classified as likely pathogenic for autosomal recessive neurodevelopmental disorder with hearing loss, seizures, and brain abnormalities.

Labcorp Genetics (formerly Invitae), Labcorp
Classification: Pathogenic for Microcephaly-intellectual disability-sensorineural hearing loss-epilepsy-abnormal muscle tone syndrome. Last evaluated: 2023-12-05. Review status: criteria provided, single submitter. Criteria: Invitae Variant Classification Sherloc (09022015). Collection method: clinical testing. Allele origin: germline.
Comment: This sequence change creates a premature translational stop signal (p.Arg538*) in the SPATA5 gene. It is expected to result in an absent or disrupted protein product. Loss-of-function variants in SPATA5 are known to be pathogenic (PMID: 26299366). This variant is not present in population databases (gnomAD no frequency). This variant has not been reported in the literature in individuals affected with SPATA5-related conditions. ClinVar contains an entry for this variant (Variation ID: 864697). For these reasons, this variant has been classified as Pathogenic.

Literature cited by the submitters: PubMed 26299366 (cited by Variantyx, Inc. and Labcorp Genetics (formerly Invitae), Labcorp).

NM_145207.3(AFG2A):c.1612C>T (p.Arg538Ter)

Gene: AFG2A (AAA ATPase AFG2A; plus strand). Cytogenetic location: 4q28.1.
Variant type: single nucleotide variant.
Coding change: c.1612C>T on transcript NM_145207.3 (MANE Select); coding-DNA position 1612, C replaced by T.
Protein change: p.Arg538Ter; replaces arginine 538 with a stop codon.
Molecular consequence: nonsense.
Genome position (GRCh38, 1-based): chr4:122,947,386, C>T. VCF-style: chr4-122947386-C-T. GRCh37 (hg19) VCF-style: chr4-123868541-C-T.
Other names: c.1609C>T, p.Arg537Ter (NM_001317799.2, NM_001345856.2); short protein forms R538*, R537*.
Identifiers: ClinVar variation 864697 (VCV000864697.7), dbSNP rs1730088305, ClinGen allele CA358108349.